The following is an entry in ClinVar:

NM_000860.6(HPGD):c.202C>T (p.Gln68Ter)

Gene: HPGD (15-hydroxyprostaglandin dehydrogenase; minus strand). Cytogenetic location: 4q34.1.
Variant type: single nucleotide variant.
Coding change: c.202C>T on transcript NM_000860.6 (MANE Select); coding-DNA position 202, C replaced by T.
Protein change: p.Gln68Ter; replaces glutamine 68 with a stop codon.
Molecular consequence: nonsense. On other transcripts: 5 prime UTR variant (2).
Genome position (GRCh38, 1-based): chr4:174,521,959, G>A on the plus strand (C>T on the coding strand, the complement: HPGD is on the minus strand). VCF-style: chr4-174521959-G-A. GRCh37 (hg19) VCF-style: chr4-175443110-G-A.
Other names: c.202C>T, p.Gln68Ter (NM_001145816.3, NM_001256305.2, NM_001256306.2 and 1 more transcripts); c.-162C>T (NM_001256301.1); c.-55C>T (NM_001256307.2); short protein forms Q68*.
Identifiers: ClinVar variation 3691622 (VCV003691622.3).

ClinVar aggregate classification (germline): Pathogenic. Review status: criteria provided, multiple submitters, no conflicts (2 of 4 stars). 2 submissions from 2 submitters: Pathogenic (2). Last evaluated 2025-09-10.

Conditions:
Hypertrophic osteoarthropathy, primary, autosomal recessive, 1 (PHOAR1). Also called: PHO, AUTOSOMAL RECESSIVE. Identifiers: Orphanet 1525, Orphanet 2796, MedGen C4551679, MONDO:0024546, OMIM 259100.

Submissions (2):

Genomic Medicine Center of Excellence, King Faisal Specialist Hospital and Research Centre
Classification: Pathogenic for Hypertrophic osteoarthropathy, primary, autosomal recessive, 1. Last evaluated: 2025-09-10. Review status: criteria provided, single submitter. Criteria: ACMG Guidelines, 2015. Collection method: clinical testing. Allele origin: germline.

Labcorp Genetics (formerly Invitae), Labcorp
Classification: Pathogenic. Last evaluated: 2024-10-13. Review status: criteria provided, single submitter. Criteria: Invitae Variant Classification Sherloc (09022015). Collection method: clinical testing. Allele origin: germline.
Comment: This sequence change creates a premature translational stop signal (p.Gln68*) in the HPGD gene. It is expected to result in an absent or disrupted protein product. Loss-of-function variants in HPGD are known to be pathogenic (PMID: 18500342, 19568269, 24533558, 24816859). This variant is not present in population databases (gnomAD no frequency). This variant has not been reported in the literature in individuals affected with HPGD-related conditions. For these reasons, this variant has been classified as Pathogenic.

Literature cited by the submitters: PubMed 18500342 (cited by Labcorp Genetics (formerly Invitae), Labcorp); PubMed 19568269 (cited by Labcorp Genetics (formerly Invitae), Labcorp); PubMed 24533558 (cited by Labcorp Genetics (formerly Invitae), Labcorp); PubMed 24816859 (cited by Labcorp Genetics (formerly Invitae), Labcorp).